The following is an entry in ClinVar:

ClinVar aggregate classification (germline): Uncertain significance (1 of 4 stars; one submission).

Conditions:
Xeroderma pigmentosum, group F (XPF). Also called: XERODERMA PIGMENTOSUM VI; XP, GROUP F; XERODERMA PIGMENTOSUM, COMPLEMENTATION GROUP F; XERODERMA PIGMENTOSUM, TYPE F; Xeroderma pigmentosum, type 6; ERCC4-Related Xeroderma Pigmentosum. Identifiers: MedGen C0268140, MONDO:0010215, OMIM 278760.
Fanconi anemia complementation group Q. Identifiers: Orphanet 84, MedGen C3808988, MONDO:0014108, OMIM 615272.
Cockayne syndrome. Identifiers: Orphanet 191, MedGen C0009207, MONDO:0016006.

gnomAD v4.1: 2 of 1,610,634 alleles (0.00012%); highest among the groups gnomAD compares: Non-Finnish European, 0.00017%; no homozygotes.

Submission:

Labcorp Genetics (formerly Invitae), Labcorp
Classification: Uncertain significance for Fanconi anemia complementation group Q; Xeroderma pigmentosum, group F; Cockayne syndrome. Last evaluated: 2024-04-30. Review status: criteria provided, single submitter. Criteria: Invitae Variant Classification Sherloc (09022015). Collection method: clinical testing. Allele origin: germline.
Comment: This sequence change falls in intron 1 of the ERCC4 gene. It does not directly change the encoded amino acid sequence of the ERCC4 protein. It affects a nucleotide within the consensus splice site. This variant is not present in population databases (gnomAD no frequency). This variant has not been reported in the literature in individuals affected with ERCC4-related conditions. ClinVar contains an entry for this variant (Variation ID: 842159). Variants that disrupt the consensus splice site are a relatively common cause of aberrant splicing (PMID: 17576681, 9536098). Algorithms developed to predict the effect of sequence changes on RNA splicing suggest that this variant is not likely to affect RNA splicing. In summary, the available evidence is currently insufficient to determine the role of this variant in disease. Therefore, it has been classified as a Variant of Uncertain Significance.

Literature cited by the submitters: PubMed 17576681; PubMed 9536098.

NM_005236.3(ERCC4):c.208-3T>C

Gene: ERCC4 (ERCC excision repair 4, endonuclease catalytic subunit; plus strand). Cytogenetic location: 16p13.12.
Variant type: single nucleotide variant.
Coding change: c.208-3T>C on transcript NM_005236.3 (MANE Select); 3 bases into the intron before coding-DNA position 208, T replaced by C.
Molecular consequence: intron variant.
Genome position (GRCh38, 1-based): chr16:13,922,028, T>C. VCF-style: chr16-13922028-T-C. GRCh37 (hg19) VCF-style: chr16-14015885-T-C.
Identifiers: ClinVar variation 842159 (VCV000842159.9), dbSNP rs773956647, ClinGen allele CA916081804.